The following is an entry in ClinVar:

NM_144687.4(NLRP12):c.168G>A (p.Met56Ile)

Gene: NLRP12 (NLR family pyrin domain containing 12; minus strand). Cytogenetic location: 19q13.42.
Variant type: single nucleotide variant.
Coding change: c.168G>A on transcript NM_144687.4 (MANE Select); coding-DNA position 168, G replaced by A.
Protein change: p.Met56Ile; replaces methionine 56 with isoleucine.
Molecular consequence: missense variant.
Genome position (GRCh38, 1-based): chr19:53,824,007, C>T on the plus strand (G>A on the coding strand, the complement: NLRP12 is on the minus strand). VCF-style: chr19-53824007-C-T. GRCh37 (hg19) VCF-style: chr19-54327261-C-T.
Other names: c.168G>A, p.Met56Ile (NM_001277126.2, NM_001277129.1); short protein forms M56I.
Identifiers: ClinVar variation 4538075 (VCV004538075.1).

ClinVar aggregate classification (germline): Uncertain significance (1 of 4 stars; one submission).

Submission:

GeneDx
Classification: Uncertain significance. Last evaluated: 2025-06-10. Review status: criteria provided, single submitter. Criteria: GeneDx Variant Classification Process June 2021. Collection method: clinical testing. Allele origin: germline. Affected: yes.
Comment: Not observed at significant frequency in large population cohorts (gnomAD); In silico analysis suggests that this missense variant does not alter protein structure/function; Has not been previously published as pathogenic or benign to our knowledge